The following is an entry in ClinVar:

ClinVar aggregate classification (germline): Benign. Review status: criteria provided, multiple submitters, no conflicts (2 of 4 stars). 2 submissions from 2 submitters: Benign (2). Last evaluated 2018-01-13.

Conditions:
Multicentric osteolysis nodulosis arthropathy spectrum. Identifiers: Orphanet 3460, Orphanet 371428, MedGen C1850155, MONDO:0018298.

Allele frequency attached by ClinVar (database versions not stated): 1000 Genomes Project 0.01338; 1000 Genomes Project 30x 0.01374; TOPMed 0.01520; gnomAD 0.01829 and 0.01918; gnomAD exomes 0.02370.

Submissions (2):

Illumina Laboratory Services, Illumina
Classification: Benign for Multicentric osteolysis, nodulosis, and arthropathy. Last evaluated: 2018-01-13. Review status: criteria provided, single submitter. Criteria: ICSL Variant Classification Criteria 13 December 2019. Collection method: clinical testing. Allele origin: germline.
Comment: This variant was observed in the ICSL laboratory as part of a predisposition screen in an ostensibly healthy population. It had not been previously curated by ICSL or reported in the Human Gene Mutation Database (HGMD: prior to June 1st, 2018), and was therefore a candidate for classification through an automated scoring system. Utilizing variant allele frequency, disease prevalence and penetrance estimates, and inheritance mode, an automated score was calculated to assess if this variant is too frequent to cause the disease. Based on the score and internal cut-off values, a variant classified as benign is not then subjected to further curation. The score for this variant resulted in a classification of benign for this disease.

Breakthrough Genomics
Classification: Benign. Review status: criteria provided, single submitter. Criteria: ACMG Guidelines, 2015. Collection method: not provided. Allele origin: germline. Inheritance: Autosomal recessive inheritance. Affected: yes.

NM_004530.6(MMP2):c.*159T>C

Gene: MMP2 (matrix metallopeptidase 2; plus strand). Cytogenetic location: 16q12.2.
Variant type: single nucleotide variant.
Coding change: c.*159T>C on transcript NM_004530.6 (MANE Select); 159 bases downstream of the stop codon, T replaced by C.
Molecular consequence: 3 prime UTR variant.
Genome position (GRCh38, 1-based): chr16:55,505,601, T>C. VCF-style: chr16-55505601-T-C. GRCh37 (hg19) VCF-style: chr16-55539513-T-C.
Other names: c.*159T>C (NM_001127891.3, NM_001302508.1, NM_001302509.2 and 1 more transcripts).
Identifiers: ClinVar variation 319772 (VCV000319772.6), dbSNP rs17860019, ClinGen allele CA10638018.
Genomic context (GRCh38, chr16:55,505,601, plus strand): 5'-TTCAGCTCTACAGCTAATCAGCATTCTCACTCCTACCTGGTAATTTAAGATTCCAGAGAG[T>C]GGCTCCTCCCGGTGCCCAAGAATAGATGCTGACTGTACTCCTCCCAGGCGCCCCTTCCCC-3'